The following continues an entry in ClinVar:

NM_000152.5(GAA):c.752C>T (p.Ser251Leu)

Gene: GAA. ClinVar aggregate classification (germline): Conflicting classifications of pathogenicity. Pathogenic (3); Likely pathogenic (6); Uncertain significance (6).

Submissions 12 to 17 of 17:

Broad Center for Mendelian Genomics, Broad Institute of MIT and Harvard
Classification: Likely pathogenic for Glycogen storage disease, type II. Last evaluated: 2020-01-29. Review status: criteria provided, single submitter. Criteria: ACMG Guidelines, 2015. Collection method: curation. Allele origin: germline. Inheritance: Autosomal recessive inheritance.
Comment: The [p.Ser251Leu; p.Ser254Leu] complex variant in GAA has been reported in at least 15 individuals with Glycogen Storage Disease II (PMID: 24513544, 21232767, 27183828, 20080426), and has also been reported likely pathogenic by Illumina, pathogenic by GeneDx, and likely benign by Invitae in ClinVar (Variation ID: 325781, 325782). This variant has been identified in <0.28% of East Asian chromosomes by the Genome Aggregation Database (gnomAD; dbSNP rs200856561). Although this variant has been seen in the general population, its frequency is not high enough to rule out a pathogenic role. In vitro functional studies provide some evidence that the p.Ser251Leu variant may impact protein function (PMID: 22644586). However, these types of assays may not accurately represent biological function. Computational prediction tools and conservation analyses do not provide strong support for or against an impact to the protein. The presence of this variant in the homozygous state and with a reported pathogenic variant, and in individuals with Glycogen Storage Disease II increases the likelihood that the p.Ser251Leu variant is pathogenic (PMID: 24513544, 21232767). The phenotype of homozygotes and heterozygotes with this variant is highly specific for Glycogen Storage Disease II based on GAA activity assays in relevant tissues and the absence of known pseudodeficiency alleles, consistent with disease (PMID: 24513544, 21232767). In summary, although additional studies are required to fully establish its clinical significance, this variant is likely pathogenic. ACMG/AMP Criteria applied: PS3, PP4_moderate, PM3 (Richards 2015).

Baylor Genetics
Classification: Uncertain significance for Glycogen storage disease, type II. Last evaluated: 2018-01-24. Review status: criteria provided, single submitter. Criteria: ACMG Guidelines, 2015. Collection method: clinical testing. Allele origin: unknown. Affected: yes.
Comment: This variant was determined to be of uncertain significance according to ACMG Guidelines, 2015 [PMID:25741868].

Illumina Laboratory Services, Illumina
Classification: Likely pathogenic for Glycogen Storage Disease, Type II. Last evaluated: 2016-06-14. Review status: criteria provided, single submitter. Criteria: ICSL Variant Classification 20161018. Collection method: clinical testing. Allele origin: germline.

Juno Genomics, Hangzhou Juno Genomics, Inc
Classification: Likely pathogenic for Glycogen storage disease, type II; Glycogen storage disease due to acid maltase deficiency, late-onset. Review status: criteria provided, single submitter. Criteria: ACMG Guidelines, 2015. Collection method: clinical testing. Allele origin: germline.
Comment: For recessive disorders, detected in trans with a pathogenic variant.;Well-established in vitro or in vivo functional studies supportive of a damaging effect on the gene or gene product.

PreventionGenetics, part of Exact Sciences
Classification: Uncertain significance for GAA-related condition. Last evaluated: 2024-06-14. Review status: no assertion criteria provided. Collection method: clinical testing. Allele origin: germline. Not counted in ClinVar's aggregate classification.
Comment: The GAA c.752C>T variant is predicted to result in the amino acid substitution p.Ser251Leu. This variant has been reported in individuals with glycogen storage disease 2, also called Pompe Disease (Tang et al. 2020. PubMed ID: 33073007; Fukuhara et al. 2017. PubMed ID: 29124014; Peng et al. 2016. PubMed ID: 27183828; Lee et al. 2019. PubMed ID: 31637888). This variant is reported in 0.28% of alleles in individuals of East Asian descent in gnomAD. The c.752C>T variant frequently occurs in cis with the c.761C>T (p.Ser254Leu) variant, and is known as the c.[752C>T;761C>T] haplotype. This haplotype has been reported in the homozygous or compound heterozygous state in multiple individuals with Pompe disease (Fukuhara et al. 2017. PubMed ID: 29124014; Peng et al. 2016. PubMed ID: 27183828). Of note, the c.[752C>T; 761C>T] (p.[Ser251Leu; Ser254Leu]) haplotype has been reported to be in cis with the c.1411_1414delGAGA variant (Labrousse et al. 2009. PubMed ID: 20080426; Chien et al. 2014. PubMed ID: 25466677; Mori et al. 2017. PubMed ID: 29122469). The c.[752C>T;761C>T] haplotype has been reported to significantly reduce GAA enzyme activity to 1.7-3.3% of wild-type activity (Kroos M et al 2012. PubMed ID: 22644586). ClinVar classifications for the c.752C>T variant range from uncertain, to likely pathogenic, to pathogenic, while one lab has classified the c.[752C>T;761C>T] haplotype as pathogenic. Although we suspect that this variant may be pathogenic, at this time the clinical significance of this variant is uncertain.

Counsyl
Classification: Likely pathogenic for Glycogen storage disease, type II. Last evaluated: 2019-06-11. Review status: no assertion criteria provided. Collection method: clinical testing. Allele origin: unknown. Not counted in ClinVar's aggregate classification.

Literature cited by the submitters: PubMed 25466677 (cited by 4 submitters); PubMed 40952111 (cited by Genomenon, Inc); PubMed 36137614 (cited by Genomenon, Inc); PubMed 32802993 (cited by Genomenon, Inc and Mayo Clinic Laboratories, Mayo Clinic); PubMed 32014045 (cited by Genomenon, Inc); PubMed 29122469 (cited by Genomenon, Inc and Counsyl); PubMed 34995642 (cited by Genomenon, Inc and Mayo Clinic Laboratories, Mayo Clinic); PubMed 22644586 (cited by 7 submitters); PubMed 20080426 (cited by 5 submitters); PubMed 24513544 (cited by 7 submitters); PubMed 21232767 (cited by 6 submitters); PubMed 31228295 (cited by Women's Health and Genetics/Laboratory Corporation of America, LabCorp); PubMed 38186848 (cited by Women's Health and Genetics/Laboratory Corporation of America, LabCorp); PubMed 18458862 (cited by 4 submitters); PubMed 27183828 (cited by 5 submitters); PubMed 29124014 (cited by 4 submitters); PubMed 31392193 (cited by Mayo Clinic Laboratories, Mayo Clinic); PubMed 31637888 (cited by 3 submitters); PubMed 32373469 (cited by Mayo Clinic Laboratories, Mayo Clinic); PubMed 33073007 (cited by Mayo Clinic Laboratories, Mayo Clinic); PubMed 33073027 (cited by Mayo Clinic Laboratories, Mayo Clinic); PubMed 40225932 (cited by Mayo Clinic Laboratories, Mayo Clinic); PubMed 39678382 (cited by 3billion); PubMed 31980526 (cited by AiLife Diagnostics); PubMed 28450385 (cited by Counsyl); PubMed 28196920 (cited by Counsyl); PubMed 31076647 (cited by Counsyl).